The following is an entry in ClinVar:

ClinVar aggregate classification (germline): Likely benign (0 of 4 stars; one submission).

Conditions:
LRP1-related disorder. Also called: LRP1-related condition.

Allele frequency attached by ClinVar (database versions not stated): gnomAD exomes 0.00002; ExAC 0.00005; gnomAD 0.00007; TOPMed 0.00008; 1000 Genomes Project 30x 0.00031; 1000 Genomes Project 0.00040.
gnomAD v4.1: 61 of 1,614,074 alleles (0.0038%); highest among the groups gnomAD compares: East Asian, 0.027%; no homozygotes.

Submission:

PreventionGenetics, part of Exact Sciences
Classification: Likely benign for LRP1-related condition. Last evaluated: 2019-03-18. Review status: no assertion criteria provided. Collection method: clinical testing. Allele origin: germline.
Comment: This variant is classified as likely benign based on ACMG/AMP sequence variant interpretation guidelines (Richards et al. 2015 PMID: 25741868, with internal and published modifications).

NM_002332.3(LRP1):c.9177C>T (p.Ala3059=)

Gene: LRP1 (LDL receptor related protein 1; plus strand). Cytogenetic location: 12q13.3.
Variant type: single nucleotide variant.
Coding change: c.9177C>T on transcript NM_002332.3 (MANE Select); coding-DNA position 9177, C replaced by T.
Protein change: p.Ala3059=; no amino-acid change (alanine 3059 retained).
Molecular consequence: synonymous variant.
Genome position (GRCh38, 1-based): chr12:57,197,559, C>T. VCF-style: chr12-57197559-C-T. GRCh37 (hg19) VCF-style: chr12-57591342-C-T.
Identifiers: ClinVar variation 3051863 (VCV003051863.2), dbSNP rs371999072, ClinGen allele CA6644631.